The following is an entry in ClinVar:

ClinVar aggregate classification (germline): Pathogenic/Likely pathogenic. Review status: criteria provided, multiple submitters, no conflicts (2 of 4 stars). 2 submissions from 2 submitters: Pathogenic (1); Likely pathogenic (1). Last evaluated 2025-08-07.

Conditions:
Stuve-Wiedemann syndrome (STWS). Also called: Stüve-Wiedemann syndrome. Identifiers: Orphanet 3206, MedGen C0796176, MONDO:0031280.

Allele frequency attached by ClinVar (database versions not stated): TOPMed below 0.00001; gnomAD exomes 0.00001.

Submissions (2):

Natera, Inc.
Classification: Likely pathogenic for Stuve-Wiedemann syndrome. Last evaluated: 2025-08-07. Review status: criteria provided, single submitter. Criteria: Natera Variant Classification Schema (03/2026). Collection method: clinical testing. Allele origin: germline.
Comment: The c.2387_2388delTG variant in LIFR is a frameshift variant predicted to shift the reading frame beginning at codon 796 and leads to a stop codon 4 codons downstream. This variant is expected to result in nonsense mediated decay, truncation, or a dysfunctional protein product. This variant is rare in the general population with a frequency below the threshold expected for the associated phenotype(s). Given the available evidence, this variant is classified as Likely Pathogenic.

Labcorp Genetics (formerly Invitae), Labcorp
Classification: Pathogenic. Last evaluated: 2023-12-25. Review status: criteria provided, single submitter. Criteria: Invitae Variant Classification Sherloc (09022015). Collection method: clinical testing. Allele origin: germline.
Comment: This sequence change creates a premature translational stop signal (p.Leu796Glnfs*4) in the LIFR gene. It is expected to result in an absent or disrupted protein product. Loss-of-function variants in LIFR are known to be pathogenic (PMID: 14740318). This variant is present in population databases (no rsID available, gnomAD 0.0009%). This variant has not been reported in the literature in individuals affected with LIFR-related conditions. ClinVar contains an entry for this variant (Variation ID: 1456355). Algorithms developed to predict the effect of sequence changes on RNA splicing suggest that this variant may disrupt the consensus splice site. For these reasons, this variant has been classified as Pathogenic.

Literature cited by the submitters: PubMed 14740318 (cited by Labcorp Genetics (formerly Invitae), Labcorp).

NM_001127671.2(LIFR):c.2387_2388del (p.Leu796fs)

Gene: LIFR (LIF receptor subunit alpha; minus strand). Cytogenetic location: 5p13.1.
Variant type: Deletion.
Coding change: c.2387_2388del on transcript NM_001127671.2 (MANE Select); coding-DNA positions 2387 to 2388, 2 bases deleted (TG; older notation c.2387_2388delTG).
Protein change: p.Leu796fs; shifts the reading frame from leucine 796.
Molecular consequence: frameshift variant.
Genome position (GRCh38, 1-based): chr5:38,485,928-38,485,929, CA deleted on the plus strand (TG on the coding strand, the reverse complement: LIFR is on the minus strand). VCF-style (leftmost placement, unchanged base first): chr5-38485927-TCA-T. GRCh37 (hg19) VCF-style: chr5-38486029-TCA-T.
Other names: c.2387_2388del, p.Leu796fs (NM_001364297.2, NM_001364298.2, NM_002310.6); c.2387_2388delTG (NM_002310.5); short protein forms L796fs.
Identifiers: ClinVar variation 1456355 (VCV001456355.7), dbSNP rs907046324, ClinGen allele CA117143143.
Genomic context (GRCh38, chr5:38,485,927, plus strand): 5'-CATCTGTATAGGCTCGCAAGACCAGGTGGTAACTTGTTTTACCTTGAAGATCAGCAATTC[TCA>T]GTGTCTTCTGGGATATGTCAGTAATATTCTTAACTTTTATGTCAGAACGACCTATTTTTA-3'